The following is an entry in ClinVar:

ClinVar aggregate classification (germline): Uncertain significance (1 of 4 stars; one submission).

Allele frequency attached by ClinVar (database versions not stated): gnomAD exomes 0.00002.

Submission:

Labcorp Genetics (formerly Invitae), Labcorp
Classification: Uncertain significance. Last evaluated: 2021-03-12. Review status: criteria provided, single submitter. Criteria: Invitae Variant Classification Sherloc (09022015). Collection method: clinical testing. Allele origin: germline.
Comment: This sequence change replaces proline with alanine at codon 22 of the CABP4 protein (p.Pro22Ala). The proline residue is moderately conserved and there is a small physicochemical difference between proline and alanine. This variant is not present in population databases (ExAC no frequency). This variant has not been reported in the literature in individuals with CABP4-related conditions. Advanced modeling of protein sequence and biophysical properties (such as structural, functional, and spatial information, amino acid conservation, physicochemical variation, residue mobility, and thermodynamic stability) performed at Invitae indicates that this missense variant is not expected to disrupt CABP4 protein function. In summary, the available evidence is currently insufficient to determine the role of this variant in disease. Therefore, it has been classified as a Variant of Uncertain Significance.

NM_145200.5(CABP4):c.64C>G (p.Pro22Ala)

Gene: CABP4 (calcium binding protein 4; plus strand). Cytogenetic location: 11q13.2.
Variant type: single nucleotide variant.
Coding change: c.64C>G on transcript NM_145200.5 (MANE Select); coding-DNA position 64, C replaced by G.
Protein change: p.Pro22Ala; replaces proline 22 with alanine.
Molecular consequence: missense variant. On other transcripts: 5 prime UTR variant (2), non-coding transcript variant (1), intron variant (1).
Genome position (GRCh38, 1-based): chr11:67,455,487, C>G. VCF-style: chr11-67455487-C-G. GRCh37 (hg19) VCF-style: chr11-67222958-C-G.
Other names: c.-320C>G (NM_001300895.3); c.-334C>G (NM_001379183.1); c.-112-222C>G (NM_001300896.3); short protein forms P22A.
Identifiers: ClinVar variation 1428251 (VCV001428251.8), dbSNP rs1159457998, ClinGen allele CA381526643.